The following is an entry in ClinVar:

NC_000019.9:g.(?_15160290)_(15164770_15165968)del

Gene: CASP14 (caspase 14; plus strand). Cytogenetic location: 19p13.12.
Variant type: Deletion.
Identifiers: ClinVar variation 2429233 (VCV002429233.3).

ClinVar aggregate classification (germline): Uncertain significance (1 of 4 stars; one submission).

Submission:

Women's Health and Genetics/Laboratory Corporation of America, LabCorp
Classification: Uncertain significance. Last evaluated: 2023-01-18. Review status: criteria provided, single submitter. Criteria: LabCorp Variant Classification Summary - May 2015. Collection method: clinical testing. Allele origin: germline.
Comment: Variant summary: The variant identified by MLPA or other technology involves the deletion of exons 1-4 in the CASP14 gene. A presumed nomenclature of c.(?_-213)_(403+1_404-1)del has been designated for the purposes of this classification. Although exact breakpoints of this deletion are not known, it is expected to result in a frameshift in the CASP14 gene. The frequency of this variant in the general population could not been found in database (gnomAD SVs, Structural variant data). To our knowledge, no occurrence of c.(?_-213)_(403+1_404-1)del in individuals affected with Lamellar Ichthyosis and no experimental evidence demonstrating its impact on protein function have been reported. No clinical diagnostic laboratories have submitted clinical-significance assessments for this variant to ClinVar after 2014. Based on the evidence outlined above, the variant was classified as uncertain significance.